The following is an entry in ClinVar:

ClinVar aggregate classification (germline): Pathogenic (1 of 4 stars; one submission).

Submission:

Labcorp Genetics (formerly Invitae), Labcorp
Classification: Pathogenic. Last evaluated: 2025-03-04. Review status: criteria provided, single submitter. Criteria: Invitae Variant Classification Sherloc (09022015). Collection method: clinical testing. Allele origin: germline.
Comment: This sequence change creates a premature translational stop signal (p.Asn137Glnfs*49) in the RELA gene. It is expected to result in an absent or disrupted protein product. Loss-of-function variants in RELA are known to be pathogenic (PMID: 28600438). This variant is not present in population databases (gnomAD no frequency). This variant has not been reported in the literature in individuals affected with RELA-related conditions. Algorithms developed to predict the effect of sequence changes on RNA splicing suggest that this variant may disrupt the consensus splice site. For these reasons, this variant has been classified as Pathogenic.

Literature cited by the submitters: PubMed 28600438.

NM_021975.4(RELA):c.408dup (p.Asn137fs)

Gene: RELA (RELA proto-oncogene, NF-kB subunit; minus strand). Cytogenetic location: 11q13.1.
Variant type: Duplication.
Coding change: c.408dup on transcript NM_021975.4 (MANE Select); coding-DNA position 408, one base duplicated (C; older notation c.408dupC).
Protein change: p.Asn137fs; shifts the reading frame from asparagine 137.
Molecular consequence: frameshift variant. On other transcripts: intron variant (1).
Genome position (GRCh38, 1-based): chr11:65,660,143, G duplicated on the plus strand (C on the coding strand, the reverse complement: RELA is on the minus strand); the first of 2 consecutive G bases (chr11:65,660,143-65,660,144); duplicating either gives the same sequence. VCF-style (leftmost placement, unchanged base first): chr11-65660142-T-TG. GRCh37 (hg19) VCF-style: chr11-65427613-T-TG.
Other names: c.315dup, p.Asn106fs (NM_001404663.1, NM_001404662.1); c.47-346dup (NM_001404661.1); c.408dup, p.Asn137fs (NM_001145138.2, NM_001243984.2, NM_001243985.2 and 2 more transcripts); c.441dup, p.Asn148fs (NM_001404657.1); c.381dup, p.Asn128fs (NM_001404658.1); short protein forms N106fs, N128fs, N137fs, N148fs.
Identifiers: ClinVar variation 3724659 (VCV003724659.2).